The following is an entry in ClinVar:

ClinVar aggregate classification (germline): Conflicting classifications of pathogenicity. Review status: criteria provided, conflicting classifications (1 of 4 stars). 20 submissions from 18 submitters: Uncertain significance (2); Benign (6); Likely benign (8). 4 of the submissions do not count toward it. Last evaluated 2026-09-01.

Conditions:
Pheochromocytoma/paraganglioma syndrome 5. Also called: SDHA-Related Hereditary Paraganglioma-Pheochromocytoma Syndrome; Paragangliomas 5. Identifiers: Orphanet 29072, MedGen C3279992, MONDO:0013602, OMIM 614165.
Mitochondrial complex II deficiency, nuclear type 1. Also called: SUCCINATE CoQ REDUCTASE DEFICIENCY. Identifiers: Orphanet 3208, MedGen C5700310, MONDO:0100294, OMIM 252011.
Hereditary pheochromocytoma and paraganglioma. Also called: Hereditary paragangliomas and pheochromocytomas; Hereditary Paraganglioma-Pheochromocytoma Syndromes; Hereditary pheochromocytoma-paraganglioma. Identifiers: Orphanet 29072, MedGen C4274332, MONDO:0017366.
Leigh syndrome (NULS). Also called: Leigh Disease; Subacute necrotizing encephalopathy; Necrotizing encephalopathy infantile subacute of Leigh; Leigh's syndrome; LEIGH SYNDROME, NUCLEAR; Leigh Syndrome (mtDNA deletion). Identifiers: Orphanet 506, MedGen C2931891, MONDO:0009723, OMIM 256000.
Neurodegeneration with ataxia and late-onset optic atrophy. Identifiers: MedGen C5543254, MONDO:0031006, OMIM 619259.
Dilated cardiomyopathy 1GG (CMD1GG). Identifiers: Orphanet 154, MedGen C3150898, MONDO:0013339, OMIM 613642.
Hereditary cancer-predisposing syndrome. Also called: Neoplastic Syndromes, Hereditary; Tumor predisposition; Hereditary Cancer Syndrome; Hereditary neoplastic syndrome. Identifiers: Orphanet 140162, MedGen C0027672, MeSH D009386, MONDO:0015356.

Allele frequency attached by ClinVar (database versions not stated): 1000 Genomes Project 0.00060; 1000 Genomes Project 30x 0.00062; gnomAD 0.00117 and 0.00121; TOPMed 0.00130; gnomAD exomes 0.00140 and 0.00187; ESP Exome Variant Server 0.00146; ExAC 0.00156.
gnomAD v4.1: 2,908 of 1,614,044 alleles (0.18%); highest among the groups gnomAD compares: Non-Finnish European, 0.22%; 9 homozygotes.

Submissions (20):

CeGaT Center for Human Genetics Tuebingen
Classification: Likely benign. Last evaluated: 2026-09-01. Review status: criteria provided, single submitter. Criteria: CeGaT Center For Human Genetics Tuebingen Variant Classification Criteria Version 2. Collection method: clinical testing. Allele origin: germline. Affected: yes. Observed: 46 variant alleles.
Comment: SDHA: BP4, BP7

Labcorp Genetics (formerly Invitae), Labcorp
Classification: Benign for Pheochromocytoma/paraganglioma syndrome 5; Mitochondrial complex II deficiency, nuclear type 1. Last evaluated: 2026-02-04. Review status: criteria provided, single submitter. Criteria: Invitae Variant Classification Sherloc (09022015). Collection method: clinical testing. Allele origin: germline.

Quest Diagnostics Nichols Institute San Juan Capistrano
Classification: Benign. Last evaluated: 2025-07-24. Review status: criteria provided, single submitter. Criteria: Quest Diagnostics criteria. Collection method: clinical testing. Allele origin: unknown.

Myriad Genetics, Inc.
Classification: Benign for Pheochromocytoma/paraganglioma syndrome 5. Last evaluated: 2025-03-10. Review status: criteria provided, single submitter. Criteria: Myriad Autosomal Dominant, Autosomal Recessive and X-Linked Classification Criteria (2023). Collection method: clinical testing. Allele origin: unknown.
Comment: This variant is considered benign. This variant is a silent/synonymous amino acid change and it is not expected to impact splicing.

Blueprint Genetics
Classification: Likely benign. Last evaluated: 2024-11-26. Review status: criteria provided, single submitter. Criteria: ACMG Guidelines, 2015. Collection method: clinical testing. Allele origin: germline.

Mayo Clinic Laboratories, Mayo Clinic
Classification: Benign. Last evaluated: 2023-11-22. Review status: criteria provided, single submitter. Criteria: ACMG Guidelines, 2015. Collection method: clinical testing. Allele origin: germline. Observed: 7 variant alleles.
Comment: BS1, BS2, BP4, BP7

Department of Pathology and Laboratory Medicine, Sinai Health System
Classification: Likely benign for Mitochondrial complex II deficiency, nuclear type 1; Dilated cardiomyopathy 1GG; Pheochromocytoma/paraganglioma syndrome 5; Neurodegeneration with ataxia and late-onset optic atrophy. Last evaluated: 2023-10-02. Review status: criteria provided, single submitter. Criteria: ACMG Guidelines, 2015. Collection method: clinical testing. Allele origin: germline. Affected: yes.

KCCC/NGS Laboratory, Kuwait Cancer Control Center
Classification: Likely benign for Pheochromocytoma/paraganglioma syndrome 5. Last evaluated: 2023-07-07. Review status: criteria provided, single submitter. Criteria: ACMG Guidelines, 2015. Collection method: clinical testing. Allele origin: germline. Affected: yes.

GeneDx
Classification: Likely benign. Last evaluated: 2021-11-11. Review status: criteria provided, single submitter. Criteria: GeneDx Variant Classification Process June 2021. Collection method: clinical testing. Allele origin: germline. Affected: yes.

Genetic Services Laboratory, University of Chicago
Classification: Likely benign. Last evaluated: 2020-12-03. Review status: criteria provided, single submitter. Criteria: ACMG Guidelines, 2015. Collection method: clinical testing. Allele origin: germline. Affected: no.

Sema4
Classification: Benign for Hereditary cancer-predisposing syndrome. Last evaluated: 2020-11-04. Review status: criteria provided, single submitter. Criteria: Sema4 Curation Guidelines. Collection method: curation. Allele origin: germline.

Illumina Laboratory Services, Illumina
Classification: Uncertain significance for Leigh syndrome. Last evaluated: 2017-04-27. Review status: criteria provided, single submitter. Criteria: ICSL Variant Classification Criteria 13 December 2019. Collection method: clinical testing. Allele origin: germline.

Illumina Laboratory Services, Illumina
Classification: Uncertain significance for Mitochondrial complex II deficiency, nuclear type 1. Last evaluated: 2017-04-27. Review status: criteria provided, single submitter. Criteria: ICSL Variant Classification Criteria 13 December 2019. Collection method: clinical testing. Allele origin: germline.

Illumina Laboratory Services, Illumina
Classification: Benign for Hereditary Paraganglioma-Pheochromocytoma Syndromes. Last evaluated: 2017-04-27. Review status: criteria provided, single submitter. Criteria: ICSL Variant Classification Criteria 13 December 2019. Collection method: clinical testing. Allele origin: germline.
Comment: This variant was observed as part of a predisposition screen in an ostensibly healthy population. A literature search was performed for the gene, cDNA change, and amino acid change (where applicable). No publications were found based on this search. Allele frequency data from public databases was too high to be consistent with this variant causing disease. Therefore, this variant is classified as benign.

Ambry Genetics
Classification: Likely benign for Hereditary cancer-predisposing syndrome. Last evaluated: 2014-09-10. Review status: criteria provided, single submitter. Criteria: Ambry Variant Classification Scheme 2023. Collection method: clinical testing. Allele origin: germline.

PreventionGenetics, part of Exact Sciences
Classification: Likely benign. Review status: criteria provided, single submitter. Criteria: ACMG Guidelines, 2015. Collection method: clinical testing. Allele origin: germline.

Clinical Genetics DNA and cytogenetics Diagnostics Lab, Erasmus MC, Erasmus Medical Center
Classification: Likely benign. Review status: no assertion criteria provided. Collection method: clinical testing. Allele origin: germline. Affected: yes. Study: VKGL Data-share Consensus. Not counted in ClinVar's aggregate classification.

Diagnostic Laboratory, Department of Genetics, University Medical Center Groningen
Classification: Likely benign. Review status: no assertion criteria provided. Collection method: clinical testing. Allele origin: germline. Affected: yes. Study: VKGL Data-share Consensus. Not counted in ClinVar's aggregate classification.

Joint Genome Diagnostic Labs from Nijmegen and Maastricht, Radboudumc and MUMC+
Classification: Likely benign. Review status: no assertion criteria provided. Collection method: clinical testing. Allele origin: germline. Affected: yes. Study: VKGL Data-share Consensus. Not counted in ClinVar's aggregate classification.

Laboratory of Diagnostic Genome Analysis, Leiden University Medical Center (LUMC)
Classification: Likely benign. Review status: no assertion criteria provided. Collection method: clinical testing. Allele origin: germline. Affected: yes. Study: VKGL Data-share Consensus. Not counted in ClinVar's aggregate classification.

NM_004168.4(SDHA):c.1368G>A (p.Ser456=)

Gene: SDHA (succinate dehydrogenase complex flavoprotein subunit A; plus strand). Cytogenetic location: 5p15.33.
Variant type: single nucleotide variant.
Coding change: c.1368G>A on transcript NM_004168.4 (MANE Select); coding-DNA position 1368, G replaced by A.
Protein change: p.Ser456=; no amino-acid change (serine 456 retained).
Molecular consequence: synonymous variant.
Genome position (GRCh38, 1-based): chr5:236,535, G>A. VCF-style: chr5-236535-G-A. GRCh37 (hg19) VCF-style: chr5-236650-G-A.
Other names: p.Ser456=; c.1224G>A, p.Ser408= (NM_001294332.2); c.1368G>A, p.Ser456= (NM_001330758.2).
Identifiers: ClinVar variation 224948 (VCV000224948.77), dbSNP rs149875171, ClinGen allele CA358579.